The following is an entry in ClinVar:

ClinVar aggregate classification (germline): not provided (0 of 4 stars; one submission).

Conditions:
Gestational diabetes mellitus uncontrolled. Identifiers: MedGen C3532257.

Submission:

Institute of Molecular and Cell Biology, University of Tartu
No classification provided. Condition: Gestational diabetes mellitus uncontrolled. Review status: no classification provided. Collection method: case-control. Allele origin: unknown. Affected: yes. Study: Kasak2014.
Comment: The study aimed to determine the contribution of copy number variants in the genetic etiology of normal and complicated pregnancies. The samples represented (i) maternal blood DNA drawn from healthy pregnant women during 1st or 2nd trimester and (ii) maternal and paternal blood DNA drawn at term pregnancy cases representing normal and complicated gestations (severe preeclampsia, PE; gestational diabetes, GD; small-for-gestational age newborn, SGA; large-for-gestational age newborn, LGA). We performed CNV calling based on genome-wide genotyping dataset (Illumina HumanOmniExpress-24-v1 BeadChip) by applying three algorithms, QuantiSNP, GADA (Genome Alteration Detection Algorithm) and CNstream in parallel. The acquired CNV calls were merged with HD-CNV (Hotspot Detector for Copy Number Variants) program and only the CNVs predicted by at least two programs, were considered in subsequent analysis.

Literature cited by the submitters: PubMed 25666259.

Single allele

Variant type: Duplication.
Genome position: GRCh38: chr17:6,398,242-6,408,077. GRCh37 (hg19): chr17:6,301,562-6,311,397.
Identifiers: ClinVar variation 157377 (VCV000157377.2).